The following is an entry in ClinVar:

NM_000439.5(PCSK1):c.688G>T (p.Ala230Ser)

Genes: CAST (calpastatin; plus strand), PCSK1 (proprotein convertase subtilisin/kexin type 1; minus strand), LOC101929710 (uncharacterized LOC101929710; plus strand). Cytogenetic location: 5q15.
Variant type: single nucleotide variant.
Coding change: c.688G>T on transcript NM_000439.5 (MANE Select); coding-DNA position 688, G replaced by T.
Protein change: p.Ala230Ser; replaces alanine 230 with serine.
Molecular consequence: missense variant. On other transcripts: intron variant (11).
Genome position (GRCh38, 1-based): chr5:96,416,054, C>A on the plus strand (G>T on the coding strand, the complement: PCSK1 is on the minus strand). VCF-style: chr5-96416054-C-A. GRCh37 (hg19) VCF-style: chr5-95751758-C-A.
Other names: c.547G>T, p.Ala183Ser (NM_001177875.2); c.-175+36402C>A (NM_001423254.1, NM_001423259.1, NM_001423255.1 and 6 more transcripts); c.-103+36402C>A (NM_001423253.1); c.-40+36402C>A (NM_001423258.1); short protein forms A230S, A183S.
Identifiers: ClinVar variation 5001878 (VCV005001878.1).
Genomic context (GRCh38, chr5:96,416,054, plus strand): 5'-ATTAAAATGCCAAGCTATAGGGACAATCCTCTGTTTTACCTCCAACTTTGGAATTGTATG[C>A]AACTCCAACCCCGCATTTGTGATTATTTGCTTGCATGGCAATTTCTCCTGCACATCTGGT-3'
Protein context (NP_000430.3, residues 220-240): ANNHKCGVGV[Ala230Ser]YNSKVGGIRM

ClinVar aggregate classification (germline): Uncertain significance (1 of 4 stars; one submission).

Conditions:
PCSK1-related disorder. Also called: PCSK1-related condition.

gnomAD v4.1: 2 of 1,611,498 alleles (0.00012%); highest among the groups gnomAD compares: Non-Finnish European, 0.00017%; no homozygotes.

Submission:

PreventionGenetics, part of Exact Sciences
Classification: Uncertain significance for PCSK1-related condition. Last evaluated: 2024-10-17. Review status: criteria provided, single submitter. Criteria: ACMG Guidelines, 2015. Collection method: clinical testing. Allele origin: germline.
Comment: The PCSK1 c.688G>T variant is predicted to result in the amino acid substitution p.Ala230Ser. To our knowledge, this variant has not been reported in the literature or in a large population database (gnomAD), indicating this variant is rare. At this time, the clinical significance of this variant is uncertain due to the absence of conclusive functional and genetic evidence.